The following is an entry in ClinVar:

ClinVar aggregate classification (germline): Uncertain significance (1 of 4 stars; one submission).

Submission:

Dasa
Classification: Uncertain significance. Last evaluated: 2025-11-21. Review status: criteria provided, single submitter. Criteria: DASA Assertion Criteria. Collection method: clinical testing. Allele origin: germline.
Comment: NM_002249.6(KCNN3):c.1030-3C>A is a splice-region variant predicted to affect normal RNA splicing. This variant is absent from population databases. Computational prediction algorithms are consistent with a deleterious effect. The currently available literature and clinical evidence are not sufficient to establish a definitive association between this variant and the reported condition. Therefore, this variant is classified as a variant of uncertain significance.

NM_002249.6(KCNN3):c.1030-3C>A

Gene: KCNN3 (potassium calcium-activated channel subfamily N member 3; minus strand). Cytogenetic location: 1q21.3.
Variant type: single nucleotide variant.
Coding change: c.1030-3C>A on transcript NM_002249.6 (MANE Select); 3 bases into the intron before coding-DNA position 1030, C replaced by A.
Molecular consequence: intron variant.
Genome position (GRCh38, 1-based): chr1:154,772,396, G>T on the plus strand (C>A on the coding strand, the complement: KCNN3 is on the minus strand). VCF-style: chr1-154772396-G-T. GRCh37 (hg19) VCF-style: chr1-154744872-G-T.
Other names: c.1030-3C>A (NM_001204087.2); c.115-3C>A (NM_170782.3); c.91-3C>A (NM_001365838.1, NM_001365837.1).
Identifiers: ClinVar variation 4881650 (VCV004881650.2).